The following is an entry in ClinVar:

NM_001384732.1(CPLANE1):c.2612G>A (p.Arg871His)

Gene: CPLANE1 (ciliogenesis and planar polarity effector complex subunit 1; minus strand). Cytogenetic location: 5p13.2.
Variant type: single nucleotide variant.
Coding change: c.2612G>A on transcript NM_001384732.1 (MANE Select); coding-DNA position 2612, G replaced by A.
Protein change: p.Arg871His; replaces arginine 871 with histidine.
Molecular consequence: missense variant.
Genome position (GRCh38, 1-based): chr5:37,221,458, C>T on the plus strand (G>A on the coding strand, the complement: CPLANE1 is on the minus strand). VCF-style: chr5-37221458-C-T. GRCh37 (hg19) VCF-style: chr5-37221560-C-T.
Other names: c.2612G>A, p.Arg871His (NM_023073.4); short protein forms R871H.
Identifiers: ClinVar variation 2418530 (VCV002418530.7), dbSNP rs1157919882, ClinGen allele CA359489101.

ClinVar aggregate classification (germline): Conflicting classifications of pathogenicity. Review status: criteria provided, conflicting classifications (1 of 4 stars). 2 submissions from 2 submitters: Likely pathogenic (1); Uncertain significance (1). Last evaluated 2025-02-03.

Conditions:
Joubert syndrome 17 (JBTS17). Identifiers: Orphanet 475, MedGen C3553264, MONDO:0013824, OMIM 614615.

Allele frequency attached by ClinVar (database versions not stated): TOPMed below 0.00001.
gnomAD v4.1: 15 of 1,506,798 alleles (0.001%); highest among the groups gnomAD compares: African/African-American, 0.0029%; no homozygotes.

Submissions (2):

Labcorp Genetics (formerly Invitae), Labcorp
Classification: Likely pathogenic. Last evaluated: 2025-02-03. Review status: criteria provided, single submitter. Criteria: Invitae Variant Classification Sherloc (09022015). Collection method: clinical testing. Allele origin: germline.
Comment: This sequence change replaces arginine, which is basic and polar, with histidine, which is basic and polar, at codon 871 of the CPLANE1 protein (p.Arg871His). This variant is not present in population databases (gnomAD no frequency). This variant has not been reported in the literature in individuals affected with CPLANE1-related conditions. ClinVar contains an entry for this variant (Variation ID: 2418530). Invitae Evidence Modeling of protein sequence and biophysical properties (such as structural, functional, and spatial information, amino acid conservation, physicochemical variation, residue mobility, and thermodynamic stability) has been performed for this missense variant. However, the output from this modeling did not meet the statistical confidence thresholds required to predict the impact of this variant on CPLANE1 protein function. This variant disrupts the p.Arg871 amino acid residue in CPLANE1. Other variant(s) that disrupt this residue have been determined to be pathogenic (PMID: 26092869). This suggests that this residue is clinically significant, and that variants that disrupt this residue are likely to be disease-causing. In summary, the currently available evidence indicates that the variant is pathogenic, but additional data are needed to prove that conclusively. Therefore, this variant has been classified as Likely Pathogenic.

Department of Pathology and Laboratory Medicine, Sinai Health System
Classification: Uncertain significance for Joubert syndrome 17. Last evaluated: 2023-08-30. Review status: criteria provided, single submitter. Criteria: ACMG Guidelines, 2015. Collection method: research. Allele origin: germline.

Literature cited by the submitters: PubMed 26092869 (cited by Labcorp Genetics (formerly Invitae), Labcorp).